The following is an entry in ClinVar:

ClinVar aggregate classification (germline): Uncertain significance (1 of 4 stars; one submission).

Allele frequency attached by ClinVar (database versions not stated): gnomAD exomes below 0.00001; TOPMed below 0.00001; gnomAD 0.00001.
gnomAD v4.1: 3 of 1,611,482 alleles (0.00019%); highest among the groups gnomAD compares: Non-Finnish European, 0.00025%; no homozygotes.

Submission:

Ambry Genetics
Classification: Uncertain significance. Last evaluated: 2022-09-02. Review status: criteria provided, single submitter. Criteria: Ambry Variant Classification Scheme 2023. Collection method: clinical testing. Allele origin: germline.
Comment: The p.G543E variant (also known as c.1628G>A), located in coding exon 10 of the MYOM1 gene, results from a G to A substitution at nucleotide position 1628. The glycine at codon 543 is replaced by glutamic acid, an amino acid with similar properties. This amino acid position is conserved. In addition, this alteration is predicted to be deleterious by in silico analysis. Since supporting evidence is limited at this time, the clinical significance of this alteration remains unclear.

NM_003803.4(MYOM1):c.1628G>A (p.Gly543Glu)

Gene: MYOM1 (myomesin 1; minus strand). Cytogenetic location: 18p11.31.
Variant type: single nucleotide variant.
Coding change: c.1628G>A on transcript NM_003803.4 (MANE Select); coding-DNA position 1628, G replaced by A.
Protein change: p.Gly543Glu; replaces glycine 543 with glutamic acid.
Molecular consequence: missense variant.
Genome position (GRCh38, 1-based): chr18:3,154,962, C>T on the plus strand (G>A on the coding strand, the complement: MYOM1 is on the minus strand). VCF-style: chr18-3154962-C-T. GRCh37 (hg19) VCF-style: chr18-3154960-C-T.
Other names: c.1628G>A, p.Gly543Glu (NM_019856.2); short protein forms G543E.
Identifiers: ClinVar variation 1776739 (VCV001776739.2), dbSNP rs2080273527, ClinGen allele CA401714455.